The following is an entry in ClinVar:

ClinVar aggregate classification (germline): Uncertain significance (1 of 4 stars; one submission).

Conditions:
RAI1-related disorder. Also called: RAI1-related condition.

Submission:

PreventionGenetics, part of Exact Sciences
Classification: Uncertain significance for RAI1-related condition. Last evaluated: 2025-05-27. Review status: criteria provided, single submitter. Criteria: ACMG Guidelines, 2015. Collection method: clinical testing. Allele origin: germline.
Comment: The RAI1 c.855G>T variant is predicted to result in the amino acid substitution p.Gln285His. To our knowledge, this variant has not been reported in the literature or in a large population database (gnomAD), indicating this variant is rare. At this time, the clinical significance of this variant is uncertain due to the absence of conclusive functional and genetic evidence.

NM_030665.4(RAI1):c.855G>T (p.Gln285His)

Gene: RAI1 (retinoic acid induced 1; plus strand). Cytogenetic location: 17p11.2.
Variant type: single nucleotide variant.
Coding change: c.855G>T on transcript NM_030665.4 (MANE Select); coding-DNA position 855, G replaced by T.
Protein change: p.Gln285His; replaces glutamine 285 with histidine.
Molecular consequence: missense variant.
Genome position (GRCh38, 1-based): chr17:17,793,803, G>T. VCF-style: chr17-17793803-G-T. GRCh37 (hg19) VCF-style: chr17-17697117-G-T.
Other names: short protein forms Q285H.
Identifiers: ClinVar variation 4998531 (VCV004998531.1).